The following is an entry in ClinVar:

NM_002547.3(OPHN1):c.2134C>T (p.Arg712Trp)

Gene: OPHN1 (oligophrenin 1; minus strand). Cytogenetic location: Xq12.
Variant type: single nucleotide variant.
Coding change: c.2134C>T on transcript NM_002547.3 (MANE Select); coding-DNA position 2134, C replaced by T.
Protein change: p.Arg712Trp; replaces arginine 712 with tryptophan.
Molecular consequence: missense variant.
Genome position (GRCh38, 1-based): chrX:68,063,878, G>A on the plus strand (C>T on the coding strand, the complement: OPHN1 is on the minus strand). VCF-style: chrX-68063878-G-A. GRCh37 (hg19) VCF-style: chrX-67283720-G-A.
Other names: short protein forms R712W.
Identifiers: ClinVar variation 2355359 (VCV002355359.4), dbSNP rs1247929748, ClinGen allele CA413430170.

ClinVar aggregate classification (germline): Uncertain significance. Review status: criteria provided, multiple submitters, no conflicts (2 of 4 stars). 3 submissions from 3 submitters: Uncertain significance (3). Last evaluated 2023-11-03.

Conditions:
Inborn genetic diseases. Identifiers: MedGen C0950123, MeSH D030342.
OPHN1-related disorder.

Allele frequency attached by ClinVar (database versions not stated): TOPMed below 0.00001; gnomAD 0.00001; gnomAD exomes 0.00001.
gnomAD v4.1: 12 of 1,170,763 alleles (0.001%); highest among the groups gnomAD compares: Middle Eastern, 0.025%; no homozygotes.

Submissions (3):

Blueprint Genetics
Classification: Uncertain significance. Last evaluated: 2023-11-03. Review status: criteria provided, single submitter. Criteria: ACMG Guidelines, 2015. Collection method: clinical testing. Allele origin: germline.

PreventionGenetics, part of Exact Sciences
Classification: Uncertain significance for OPHN1-related condition. Last evaluated: 2023-04-17. Review status: criteria provided, single submitter. Criteria: ACMG Guidelines, 2015. Collection method: clinical testing. Allele origin: germline.
Comment: The OPHN1 c.2134C>T variant is predicted to result in the amino acid substitution p.Arg712Trp. To our knowledge, this variant has not been reported in the literature. This variant is reported in 0.0018% of alleles in individuals of European (Non-Finnish) descent in gnomAD. At this time, the clinical significance of this variant is uncertain due to the absence of conclusive functional and genetic evidence.

Ambry Genetics
Classification: Uncertain significance for Inborn genetic diseases. Last evaluated: 2021-08-05. Review status: criteria provided, single submitter. Criteria: Ambry Variant Classification Scheme 2023. Collection method: clinical testing. Allele origin: germline.
Comment: The c.2134C>T (p.R712W) alteration is located in exon 21 (coding exon 20) of the OPHN1 gene. This alteration results from a C to T substitution at nucleotide position 2134, causing the arginine (R) at amino acid position 712 to be replaced by a tryptophan (W). This allele was reported in one heterozygous individual in population-based cohorts in the Genome Aggregation Database (gnomAD). This amino acid position is well conserved in available vertebrate species. This alteration is predicted to be tolerated by in silico analysis. Based on insufficient or conflicting evidence, the clinical significance of this alteration remains unclear.